The following is an entry in ClinVar:

ClinVar aggregate classification (germline): Pathogenic (1 of 4 stars; one submission).

Submission:

Labcorp Genetics (formerly Invitae), Labcorp
Classification: Pathogenic. Last evaluated: 2024-03-03. Review status: criteria provided, single submitter. Criteria: Invitae Variant Classification Sherloc (09022015). Collection method: clinical testing. Allele origin: germline.
Comment: This sequence change creates a premature translational stop signal (p.Tyr1307Alafs*4) in the COL17A1 gene. It is expected to result in an absent or disrupted protein product. Loss-of-function variants in COL17A1 are known to be pathogenic (PMID: 16473856, 17344927, 20301304, 21357940, 24319098). This variant is not present in population databases (gnomAD no frequency). This variant has not been reported in the literature in individuals affected with COL17A1-related conditions. For these reasons, this variant has been classified as Pathogenic.

Literature cited by the submitters: PubMed 16473856; PubMed 17344927; PubMed 20301304; PubMed 21357940; PubMed 24319098.

NM_000494.4(COL17A1):c.3918_3921del (p.Tyr1307fs)

Gene: COL17A1 (collagen type XVII alpha 1 chain; minus strand). Cytogenetic location: 10q25.1.
Variant type: Deletion.
Coding change: c.3918_3921del on transcript NM_000494.4 (MANE Select); coding-DNA positions 3918 to 3921, 4 bases deleted (CTAC; older notation c.3918_3921delCTAC).
Protein change: p.Tyr1307fs; shifts the reading frame from tyrosine 1307.
Molecular consequence: frameshift variant.
Genome position (GRCh38, 1-based): chr10:104,034,180-104,034,183, GTAG deleted on the plus strand (CTAC on the coding strand, the reverse complement: COL17A1 is on the minus strand); deleting any 4 consecutive bases within chr10:104,034,180-104,034,184 gives the same sequence; the c. name uses the placement nearest the transcript's 3' end. VCF-style (leftmost placement, unchanged base first): chr10-104034179-TGTAG-T. GRCh37 (hg19) VCF-style: chr10-105793937-TGTAG-T.
Other names: short protein forms Y1307fs.
Identifiers: ClinVar variation 3691180 (VCV003691180.2).